The following is an entry in ClinVar:

NM_000890.5(KCNJ5):c.834T>A (p.His278Gln)

Gene: KCNJ5 (potassium inwardly rectifying channel subfamily J member 5; plus strand). Cytogenetic location: 11q24.3.
Variant type: single nucleotide variant.
Coding change: c.834T>A on transcript NM_000890.5 (MANE Select); coding-DNA position 834, T replaced by A.
Protein change: p.His278Gln; replaces histidine 278 with glutamine.
Molecular consequence: missense variant.
Genome position (GRCh38, 1-based): chr11:128,912,107, T>A. VCF-style: chr11-128912107-T-A. GRCh37 (hg19) VCF-style: chr11-128782002-T-A.
Other names: c.834T>A, p.His278Gln (NM_001354169.2); short protein forms H278Q.
Identifiers: ClinVar variation 1503522 (VCV001503522.9), dbSNP rs7118833, ClinGen allele CA383251215.

ClinVar aggregate classification (germline): Uncertain significance. Review status: criteria provided, multiple submitters, no conflicts (2 of 4 stars). 2 submissions from 2 submitters: Uncertain significance (2). Last evaluated 2024-03-22.

Conditions:
Long QT syndrome (LQTS). Identifiers: MedGen C0023976, MeSH D008133, MONDO:0002442. Disease mechanism: loss of function. Inheritance: Various modes of inheritance.
Long QT syndrome 13 (LQT13). Identifiers: Orphanet 101016, Orphanet 768, MedGen C3150733, MONDO:0013279, OMIM 613485.
Familial hyperaldosteronism type III. Also called: FH III; Familial hyperaldosteronism type 3. Identifiers: Orphanet 251274, MedGen C3838758, MONDO:0013359, OMIM 613677.

Submissions (2):

Fulgent Genetics
Classification: Uncertain significance for Long QT syndrome 13; Familial hyperaldosteronism type III. Last evaluated: 2024-03-22. Review status: criteria provided, single submitter. Criteria: ACMG Guidelines, 2015. Collection method: clinical testing. Allele origin: germline.

Labcorp Genetics (formerly Invitae), Labcorp
Classification: Uncertain significance for Long QT syndrome. Last evaluated: 2021-04-17. Review status: criteria provided, single submitter. Criteria: Invitae Variant Classification Sherloc (09022015). Collection method: clinical testing. Allele origin: germline.
Comment: Advanced modeling of protein sequence and biophysical properties (such as structural, functional, and spatial information, amino acid conservation, physicochemical variation, residue mobility, and thermodynamic stability) performed at Invitae indicates that this missense variant is expected to disrupt KCNJ5 protein function. Algorithms developed to predict the effect of sequence changes on RNA splicing suggest that this variant may create or strengthen a splice site, but this prediction has not been confirmed by published transcriptional studies. In summary, the available evidence is currently insufficient to determine the role of this variant in disease. Therefore, it has been classified as a Variant of Uncertain Significance. This sequence change replaces histidine with glutamine at codon 278 of the KCNJ5 protein (p.His278Gln). The histidine residue is highly conserved and there is a small physicochemical difference between histidine and glutamine. This variant is not present in population databases (ExAC no frequency). This variant has been observed in individual(s) with early-onset hypertension (PMID: 31388123).

Literature cited by the submitters: PubMed 31388123 (cited by Labcorp Genetics (formerly Invitae), Labcorp).